The following is an entry in ClinVar:

NM_001378609.3(OTOGL):c.4200-42A>T

Gene: OTOGL (otogelin like; plus strand). Cytogenetic location: 12q21.31.
Variant type: single nucleotide variant.
Coding change: c.4200-42A>T on transcript NM_001378609.3 (MANE Select); 42 bases into the intron before coding-DNA position 4200, A replaced by T.
Molecular consequence: intron variant.
Genome position (GRCh38, 1-based): chr12:80,328,623, A>T. VCF-style: chr12-80328623-A-T. GRCh37 (hg19) VCF-style: chr12-80722403-A-T.
Other names: NC_000012.11:g.80722403A>T; c.4065-42A>T (NM_001368062.3); c.4200-42A>T (NM_001378610.3, NM_173591.7).
Identifiers: ClinVar variation 682808 (VCV000682808.3), dbSNP rs12825060, ClinGen allele CA6701301.

ClinVar aggregate classification (germline): Benign. Review status: criteria provided, multiple submitters, no conflicts (2 of 4 stars). 2 submissions from 2 submitters: Benign (2). Last evaluated 2018-06-16.

Allele frequency attached by ClinVar (database versions not stated): gnomAD exomes 0.03382 and 0.06918; ExAC 0.07762; ESP Exome Variant Server 0.10900; gnomAD 0.12365 and 0.12867; TOPMed 0.13082; 1000 Genomes Project 0.15076; 1000 Genomes Project 30x 0.15693.
gnomAD v4.1: 62,339 of 1,424,044 alleles (4.4%); highest among the groups gnomAD compares: African/African-American, 34%; 5,431 homozygotes.

Submissions (3):

GeneDx
Classification: Benign. Last evaluated: 2018-06-16. Review status: criteria provided, single submitter. Criteria: GeneDx Variant Classification (06012015). Collection method: clinical testing. Allele origin: germline. Affected: yes.
Comment: This variant is considered likely benign or benign based on one or more of the following criteria: it is a conservative change, it occurs at a poorly conserved position in the protein, it is predicted to be benign by multiple in silico algorithms, and/or has population frequency not consistent with disease.

Breakthrough Genomics
Classification: Benign. Review status: criteria provided, single submitter. Criteria: ACMG Guidelines, 2015. Collection method: not provided. Allele origin: germline. Inheritance: Autosomal recessive inheritance. Affected: yes.

Dr. Peter K. Rogan Lab, Western University
No classification provided (evidence only). Condition: Gastric cancer. Review status: no classification provided. Collection method: in vitro. Allele origin: not applicable. Functional consequence: retained intron. Not counted in ClinVar's aggregate classification.